The following is an entry in ClinVar:

ClinVar aggregate classification (germline): Uncertain significance. Review status: criteria provided, multiple submitters, no conflicts (2 of 4 stars). 2 submissions from 2 submitters: Uncertain significance (2). Last evaluated 2025-01-10.

Conditions:
Inborn genetic diseases. Identifiers: MedGen C0950123, MeSH D030342.

Allele frequency attached by ClinVar (database versions not stated): gnomAD exomes below 0.00001 and 0.00004; gnomAD 0.00001; TOPMed 0.00002.
gnomAD v4.1: 55 of 1,613,916 alleles (0.0034%); highest among the groups gnomAD compares: Non-Finnish European, 0.0045%; no homozygotes.

Submissions (2):

Ambry Genetics
Classification: Uncertain significance for Inborn genetic diseases. Last evaluated: 2025-01-10. Review status: criteria provided, single submitter. Criteria: Ambry Variant Classification Scheme 2023. Collection method: clinical testing. Allele origin: germline.

Labcorp Genetics (formerly Invitae), Labcorp
Classification: Uncertain significance. Last evaluated: 2024-10-18. Review status: criteria provided, single submitter. Criteria: Invitae Variant Classification Sherloc (09022015). Collection method: clinical testing. Allele origin: germline.
Comment: This sequence change replaces proline, which is neutral and non-polar, with threonine, which is neutral and polar, at codon 695 of the MCM3AP protein (p.Pro695Thr). This variant is present in population databases (no rsID available, gnomAD 0.0009%). This variant has not been reported in the literature in individuals affected with MCM3AP-related conditions. ClinVar contains an entry for this variant (Variation ID: 1472573). An algorithm developed to predict the effect of missense changes on protein structure and function (PolyPhen-2) suggests that this variant is likely to be tolerated. In summary, the available evidence is currently insufficient to determine the role of this variant in disease. Therefore, it has been classified as a Variant of Uncertain Significance.

NM_003906.5(MCM3AP):c.2083C>A (p.Pro695Thr)

Gene: MCM3AP (minichromosome maintenance complex component 3 associated protein; minus strand). Cytogenetic location: 21q22.3.
Variant type: single nucleotide variant.
Coding change: c.2083C>A on transcript NM_003906.5 (MANE Select); coding-DNA position 2083, C replaced by A.
Protein change: p.Pro695Thr; replaces proline 695 with threonine.
Molecular consequence: missense variant.
Genome position (GRCh38, 1-based): chr21:46,273,501, G>T on the plus strand (C>A on the coding strand, the complement: MCM3AP is on the minus strand). VCF-style: chr21-46273501-G-T. GRCh37 (hg19) VCF-style: chr21-47693415-G-T.
Other names: c.2083C>A (NM_003906.3); short protein forms P695T.
Identifiers: ClinVar variation 1472573 (VCV001472573.8), dbSNP rs946087380, ClinGen allele CA321973636.
Genomic context (GRCh38, chr21:46,273,501, plus strand): 5'-TGCCCTCCTTCTGGTCCATGATCTGGGTCACCAGGTAGTCCATGGTCCTGCTGAGCACTG[G>T]CAAGGGCCGCAGCTCGTGGGGCAGGGGCTCCTCCTGATCCGCCGAGGACCGACTGTACTC-3'
Protein context (NP_003897.2, residues 685-705): EPLPHELRPL[Pro695Thr]VLSRTMDYLV